The following is an entry in ClinVar:

ClinVar aggregate classification (germline): Uncertain significance. Review status: criteria provided, multiple submitters, no conflicts (2 of 4 stars). 2 submissions from 2 submitters: Uncertain significance (2). Last evaluated 2025-12-19.

Conditions:
Long QT syndrome (LQTS). Identifiers: MedGen C0023976, MeSH D008133, MONDO:0002442. Disease mechanism: loss of function. Inheritance: Various modes of inheritance.

Submissions (2):

Labcorp Genetics (formerly Invitae), Labcorp
Classification: Uncertain significance for Long QT syndrome. Last evaluated: 2025-12-19. Review status: criteria provided, single submitter. Criteria: Invitae Variant Classification Sherloc (09022015). Collection method: clinical testing. Allele origin: germline.
Comment: This sequence change replaces threonine, which is neutral and polar, with proline, which is neutral and non-polar, at codon 1845 of the CACNA1C protein (p.Thr1845Pro). This variant is not present in population databases (gnomAD no frequency). This variant has not been reported in the literature in individuals affected with CACNA1C-related conditions. Invitae Evidence Modeling of protein sequence and biophysical properties (such as structural, functional, and spatial information, amino acid conservation, physicochemical variation, residue mobility, and thermodynamic stability) indicates that this missense variant is not expected to disrupt CACNA1C protein function with a negative predictive value of 95%. In summary, the available evidence is currently insufficient to determine the role of this variant in disease. Therefore, it has been classified as a Variant of Uncertain Significance.

Mayo Clinic Laboratories, Mayo Clinic
Classification: Uncertain significance. Last evaluated: 2025-07-30. Review status: criteria provided, single submitter. Criteria: ACMG Guidelines, 2015. Collection method: clinical testing. Allele origin: germline. Observed: 1 variant allele.
Comment: BP4, PM2_supporting

NM_000719.7(CACNA1C):c.5533A>C (p.Thr1845Pro)

Genes: CACNA1C (calcium voltage-gated channel subunit alpha1 C; plus strand), CACNA1C-AS1 (CACNA1C antisense RNA 1; minus strand). Cytogenetic location: 12p13.33.
Variant type: single nucleotide variant.
Coding change: c.5533A>C on transcript NM_000719.7 (MANE Select); coding-DNA position 5533, A replaced by C.
Protein change: p.Thr1845Pro; replaces threonine 1845 with proline.
Molecular consequence: missense variant.
Genome position (GRCh38, 1-based): chr12:2,682,638, A>C. VCF-style: chr12-2682638-A-C. GRCh37 (hg19) VCF-style: chr12-2791804-A-C.
Other names: p.Thr1845Pro; c.5677A>C, p.Thr1893Pro (NM_001129827.2); c.5656A>C, p.Thr1886Pro (NM_001129829.2); c.5638A>C, p.Thr1880Pro (NM_001129830.3, NM_001167624.3); c.5617A>C, p.Thr1873Pro (NM_001129831.2); c.5593A>C, p.Thr1865Pro (NM_001129832.2); c.5590A>C, p.Thr1864Pro (NM_001129833.2, NM_001129834.2, NM_001129835.2); c.5584A>C, p.Thr1862Pro (NM_001129836.2); and 7 more; short protein forms T1880P, T1893P, T1862P, T1873P, T1928P, T1834P, T1853P, T1865P.
Identifiers: ClinVar variation 4541674 (VCV004541674.2), dbSNP rs1603457628.